The following is an entry in ClinVar:

NM_144573.4(NEXN):c.227A>G (p.Glu76Gly)

Gene: NEXN (nexilin F-actin binding protein; plus strand). Cytogenetic location: 1p31.1.
Variant type: single nucleotide variant.
Coding change: c.227A>G on transcript NM_144573.4 (MANE Select); coding-DNA position 227, A replaced by G.
Protein change: p.Glu76Gly; replaces glutamic acid 76 with glycine.
Molecular consequence: missense variant.
Genome position (GRCh38, 1-based): chr1:77,917,967, A>G. VCF-style: chr1-77917967-A-G. GRCh37 (hg19) VCF-style: chr1-78383652-A-G.
Other names: c.35A>G, p.Glu12Gly (NM_001172309.2); short protein forms E12G, E76G.
Identifiers: ClinVar variation 1788903 (VCV001788903.2), dbSNP rs368300372, ClinGen allele CA24705285.

ClinVar aggregate classification (germline): Uncertain significance (1 of 4 stars; one submission).

Conditions:
Cardiovascular phenotype. Identifiers: MedGen CN230736.

gnomAD v4.1: 1 of 1,612,156 alleles (0.000062%); no homozygotes.

Submission:

Ambry Genetics
Classification: Uncertain significance for Cardiovascular phenotype. Last evaluated: 2021-07-18. Review status: criteria provided, single submitter. Criteria: Ambry Variant Classification Scheme 2023. Collection method: clinical testing. Allele origin: germline.
Comment: The p.E76G variant (also known as c.227A>G), located in coding exon 3 of the NEXN gene, results from an A to G substitution at nucleotide position 227. The glutamic acid at codon 76 is replaced by glycine, an amino acid with similar properties. This amino acid position is conserved. In addition, the in silico prediction for this alteration is inconclusive. Since supporting evidence is limited at this time, the clinical significance of this alteration remains unclear.